The following is an entry in ClinVar:

NM_000214.3(JAG1):c.264C>T (p.Ala88=)

Gene: JAG1 (jagged canonical Notch ligand 1; minus strand). Cytogenetic location: 20p12.2.
Variant type: single nucleotide variant.
Coding change: c.264C>T on transcript NM_000214.3 (MANE Select); coding-DNA position 264, C replaced by T.
Protein change: p.Ala88=; no amino-acid change (alanine 88 retained).
Molecular consequence: synonymous variant.
Genome position (GRCh38, 1-based): chr20:10,672,824, G>A on the plus strand (C>T on the coding strand, the complement: JAG1 is on the minus strand). VCF-style: chr20-10672824-G-A. GRCh37 (hg19) VCF-style: chr20-10653472-G-A.
Other names: c.264C>T (NM_000214.2).
Identifiers: ClinVar variation 1136289 (VCV001136289.18), dbSNP rs1473297367, ClinGen allele CA509816835.

ClinVar aggregate classification (germline): Likely benign. Review status: criteria provided, multiple submitters, no conflicts (2 of 4 stars). 4 submissions from 4 submitters: Likely benign (4). Last evaluated 2025-10-14.

Conditions:
Alagille syndrome due to a JAG1 point mutation. Also called: Alagille Syndrome 1; JAG1-Related Alagille Syndrome; HEPATIC DUCTULAR HYPOPLASIA, SYNDROMATIC. Identifiers: Orphanet 261619, Orphanet 52, MedGen C1956125, MONDO:0016862, OMIM 118450.
Cardiovascular phenotype. Identifiers: MedGen CN230736.

Allele frequency attached by ClinVar (database versions not stated): gnomAD 0.00001.
gnomAD v4.1: 13 of 1,613,076 alleles (0.00081%); highest among the groups gnomAD compares: Non-Finnish European, 0.0011%; no homozygotes.

Submissions (4):

Labcorp Genetics (formerly Invitae), Labcorp
Classification: Likely benign for Alagille syndrome due to a JAG1 point mutation. Last evaluated: 2025-10-14. Review status: criteria provided, single submitter. Criteria: Invitae Variant Classification Sherloc (09022015). Collection method: clinical testing. Allele origin: germline.

Ambry Genetics
Classification: Likely benign for Cardiovascular phenotype. Last evaluated: 2025-03-03. Review status: criteria provided, single submitter. Criteria: Ambry Variant Classification Scheme 2023. Collection method: clinical testing. Allele origin: germline.

CeGaT Center for Human Genetics Tuebingen
Classification: Likely benign. Last evaluated: 2025-03-01. Review status: criteria provided, single submitter. Criteria: CeGaT Center For Human Genetics Tuebingen Variant Classification Criteria Version 2. Collection method: clinical testing. Allele origin: germline. Affected: yes. Observed: 1 variant allele.
Comment: JAG1: BP4, BP7

Blueprint Genetics
Classification: Likely benign. Last evaluated: 2021-05-24. Review status: criteria provided, single submitter. Criteria: ACMG Guidelines, 2015. Collection method: clinical testing. Allele origin: germline.